The following is an entry in ClinVar:

ClinVar aggregate classification (germline): Uncertain significance (1 of 4 stars; one submission).

Submission:

Labcorp Genetics (formerly Invitae), Labcorp
Classification: Uncertain significance. Last evaluated: 2025-08-03. Review status: criteria provided, single submitter. Criteria: Invitae Variant Classification Sherloc (09022015). Collection method: clinical testing. Allele origin: germline.
Comment: This sequence change replaces glycine, which is neutral and non-polar, with serine, which is neutral and polar, at codon 1234 of the A2ML1 protein (p.Gly1234Ser). This variant is not present in population databases (gnomAD no frequency). This variant has not been reported in the literature in individuals affected with A2ML1-related conditions. An algorithm developed to predict the effect of missense changes on protein structure and function (PolyPhen-2) suggests that this variant is likely to be disruptive. In summary, the available evidence is currently insufficient to determine the role of this variant in disease. Therefore, it has been classified as a Variant of Uncertain Significance.

NM_144670.6(A2ML1):c.3700G>A (p.Gly1234Ser)

Gene: A2ML1 (alpha-2-macroglobulin like 1; plus strand). Cytogenetic location: 12p13.31.
Variant type: single nucleotide variant.
Coding change: c.3700G>A on transcript NM_144670.6 (MANE Select); coding-DNA position 3700, G replaced by A.
Protein change: p.Gly1234Ser; replaces glycine 1234 with serine.
Molecular consequence: missense variant.
Genome position (GRCh38, 1-based): chr12:8,863,991, G>A. VCF-style: chr12-8863991-G-A. GRCh37 (hg19) VCF-style: chr12-9016587-G-A.
Other names: c.2227G>A, p.Gly743Ser (NM_001282424.3); short protein forms G743S, G1234S.
Identifiers: ClinVar variation 4767089 (VCV004767089.1).